The following is an entry in ClinVar:

NM_004006.3(DMD):c.9014T>A (p.Leu3005Ter)

Gene: DMD (dystrophin; minus strand). Cytogenetic location: Xp21.2.
Variant type: single nucleotide variant.
Coding change: c.9014T>A on transcript NM_004006.3 (MANE Select); coding-DNA position 9014, T replaced by A.
Protein change: p.Leu3005Ter; replaces leucine 3005 with a stop codon.
Molecular consequence: nonsense.
Genome position (GRCh38, 1-based): chrX:31,444,551, A>T on the plus strand (T>A on the coding strand, the complement: DMD is on the minus strand). VCF-style: chrX-31444551-A-T. GRCh37 (hg19) VCF-style: chrX-31462668-A-T.
Other names: c.8990T>A, p.Leu2997Ter (NM_000109.4); c.9002T>A, p.Leu3001Ter (NM_004009.3); c.8645T>A, p.Leu2882Ter (NM_004010.3); c.4991T>A, p.Leu1664Ter (NM_004011.4); c.4982T>A, p.Leu1661Ter (NM_004012.4); c.1634T>A, p.Leu545Ter (NM_004013.3, NM_004020.4, NM_004021.3 and 2 more transcripts); c.827T>A, p.Leu276Ter (NM_004014.3); short protein forms L1661*, L1664*, L276*, L2882*, L2997*, L3001*, L3005*, L545*.
Identifiers: ClinVar variation 984098 (VCV000984098.28), dbSNP rs2065150560, ClinGen allele CA412655180.

ClinVar aggregate classification (germline): Pathogenic/Likely pathogenic. Review status: criteria provided, multiple submitters, no conflicts (2 of 4 stars). 3 submissions from 3 submitters: Pathogenic (2); Likely pathogenic (1). Last evaluated 2022-11-08.

Conditions:
Duchenne muscular dystrophy (DMD). Also called: MUSCULAR DYSTROPHY, PSEUDOHYPERTROPHIC PROGRESSIVE, DUCHENNE TYPE; Duchenne Muscular Dystrophy (DMD). Identifiers: Orphanet 98896, MedGen C0013264, MONDO:0010679, OMIM 310200.
Progressive muscular dystrophy. Identifiers: Orphanet 206644, MedGen C4551827, MONDO:0016106.
Abnormality of the musculature. Identifiers: MedGen C4021745, HP:0003011.

Submissions (3):

Labcorp Genetics (formerly Invitae), Labcorp
Classification: Pathogenic for Duchenne muscular dystrophy. Last evaluated: 2022-11-08. Review status: criteria provided, single submitter. Criteria: Invitae Variant Classification Sherloc (09022015). Collection method: clinical testing. Allele origin: germline.
Comment: This sequence change creates a premature translational stop signal (p.Leu3005*) in the DMD gene. It is expected to result in an absent or disrupted protein product. Loss-of-function variants in DMD are known to be pathogenic (PMID: 16770791, 25007885). This variant is not present in population databases (gnomAD no frequency). This variant has not been reported in the literature in individuals affected with DMD-related conditions. ClinVar contains an entry for this variant (Variation ID: 984098). For these reasons, this variant has been classified as Pathogenic.

Kariminejad - Najmabadi Pathology & Genetics Center
Classification: Pathogenic for Abnormality of the musculature. Last evaluated: 2021-07-10. Review status: criteria provided, single submitter. Criteria: ACMG Guidelines, 2015. Collection method: clinical testing. Allele origin: germline. Affected: yes.

Myriad Genetics, Inc.
Classification: Likely pathogenic for Progressive muscular dystrophy. Last evaluated: 2019-07-20. Review status: criteria provided, single submitter. Criteria: Myriad Autosomal Dominant, Autosomal Recessive and X-Linked Classification Criteria (2023). Collection method: clinical testing. Allele origin: unknown.
Comment: NM_004006.2(DMD):c.9014T>A(L3005*) is expected to be pathogenic in the context of dystrophinopathy (including Duchenne/Becker muscular dystrophy). This variant is predicted to lead to an abnormal or absent protein product due to the creation of a premature termination codon in DMD, a gene where loss-of-function variants are known to be pathogenic. Please note: this variant was assessed in the context of healthy population screening.

Literature cited by the submitters: PubMed 16770791 (cited by Labcorp Genetics (formerly Invitae), Labcorp); PubMed 25007885 (cited by Labcorp Genetics (formerly Invitae), Labcorp).